The following is an entry in ClinVar:

ClinVar aggregate classification (germline): Conflicting classifications of pathogenicity. Review status: criteria provided, conflicting classifications (1 of 4 stars). 2 submissions from 2 submitters: Uncertain significance (1); Likely benign (1). Last evaluated 2025-04-24.

Allele frequency attached by ClinVar (database versions not stated): ExAC 0.00005; TOPMed 0.00006; gnomAD 0.00007; ESP Exome Variant Server 0.00008.
gnomAD v4.1: 36 of 1,613,662 alleles (0.0022%); highest among the groups gnomAD compares: Middle Eastern, 0.016%; 1 homozygote.

Submissions (2):

Ambry Genetics
Classification: Likely benign. Last evaluated: 2025-04-24. Review status: criteria provided, single submitter. Criteria: Ambry Variant Classification Scheme 2023. Collection method: clinical testing. Allele origin: germline.

Labcorp Genetics (formerly Invitae), Labcorp
Classification: Uncertain significance. Last evaluated: 2023-01-07. Review status: criteria provided, single submitter. Criteria: Invitae Variant Classification Sherloc (09022015). Collection method: clinical testing. Allele origin: germline.
Comment: In summary, the available evidence is currently insufficient to determine the role of this variant in disease. Therefore, it has been classified as a Variant of Uncertain Significance. Algorithms developed to predict the effect of missense changes on protein structure and function output the following: SIFT: "Not Available"; PolyPhen-2: "Benign"; Align-GVGD: "Not Available". The glutamine amino acid residue is found in multiple mammalian species, which suggests that this missense change does not adversely affect protein function. This variant has not been reported in the literature in individuals affected with TMPRSS15-related conditions. This variant is present in population databases (rs375777008, gnomAD 0.01%). This sequence change replaces arginine, which is basic and polar, with glutamine, which is neutral and polar, at codon 692 of the TMPRSS15 protein (p.Arg692Gln).

NM_002772.3(TMPRSS15):c.2075G>A (p.Arg692Gln)

Gene: TMPRSS15 (transmembrane serine protease 15; minus strand). Cytogenetic location: 21q21.1.
Variant type: single nucleotide variant.
Coding change: c.2075G>A on transcript NM_002772.3 (MANE Select); coding-DNA position 2075, G replaced by A.
Protein change: p.Arg692Gln; replaces arginine 692 with glutamine.
Molecular consequence: missense variant.
Genome position (GRCh38, 1-based): chr21:18,313,035, C>T on the plus strand (G>A on the coding strand, the complement: TMPRSS15 is on the minus strand). VCF-style: chr21-18313035-C-T. GRCh37 (hg19) VCF-style: chr21-19685352-C-T.
Other names: c.2075G>A (NM_002772.2); short protein forms R692Q.
Identifiers: ClinVar variation 2712734 (VCV002712734.2), dbSNP rs375777008, ClinGen allele CA9984197.